The following is an entry in ClinVar:

ClinVar aggregate classification (germline): Uncertain significance (1 of 4 stars; one submission).

Submission:

GeneDx
Classification: Uncertain significance. Last evaluated: 2024-07-12. Review status: criteria provided, single submitter. Criteria: GeneDx Variant Classification Process June 2021. Collection method: clinical testing. Allele origin: germline. Affected: yes.
Comment: Not observed at significant frequency in large population cohorts (gnomAD); In silico analysis indicates that this missense variant does not alter protein structure/function; Has not been previously published as pathogenic or benign to our knowledge

NM_002528.7(NTHL1):c.606G>C (p.Glu202Asp)

Gene: NTHL1 (nth like DNA glycosylase 1; minus strand). Cytogenetic location: 16p13.3.
Variant type: single nucleotide variant.
Coding change: c.606G>C on transcript NM_002528.7 (MANE Select); coding-DNA position 606, G replaced by C.
Protein change: p.Glu202Asp; replaces glutamic acid 202 with aspartic acid.
Molecular consequence: missense variant.
Genome position (GRCh38, 1-based): chr16:2,043,646, C>G on the plus strand (G>C on the coding strand, the complement: NTHL1 is on the minus strand). VCF-style: chr16-2043646-C-G. GRCh37 (hg19) VCF-style: chr16-2093647-C-G.
Other names: c.435G>C, p.Glu145Asp (NM_001318193.2); c.276G>C, p.Glu92Asp (NM_001318194.2); short protein forms E202D, E92D, E145D.
Identifiers: ClinVar variation 3572442 (VCV003572442.1).